The following is an entry in ClinVar:

ClinVar aggregate classification (germline): Uncertain significance. Review status: criteria provided, multiple submitters, no conflicts (2 of 4 stars). 2 submissions from 2 submitters: Uncertain significance (2). Last evaluated 2025-10-02.

Conditions:
Inborn genetic diseases. Identifiers: MedGen C0950123, MeSH D030342.

Allele frequency attached by ClinVar (database versions not stated): gnomAD exomes 0.00001; TOPMed 0.00001; gnomAD 0.00001; ExAC 0.00003.
gnomAD v4.1: 26 of 1,613,526 alleles (0.0016%); highest among the groups gnomAD compares: South Asian, 0.0033%; no homozygotes.

Submissions (2):

Labcorp Genetics (formerly Invitae), Labcorp
Classification: Uncertain significance. Last evaluated: 2025-10-02. Review status: criteria provided, single submitter. Criteria: Invitae Variant Classification Sherloc (09022015). Collection method: clinical testing. Allele origin: germline.
Comment: This sequence change replaces threonine, which is neutral and polar, with alanine, which is neutral and non-polar, at codon 445 of the HERC1 protein (p.Thr445Ala). This variant is present in population databases (rs748846665, gnomAD 0.007%). This variant has not been reported in the literature in individuals affected with HERC1-related conditions. ClinVar contains an entry for this variant (Variation ID: 2215912). Invitae Evidence Modeling of protein sequence and biophysical properties (such as structural, functional, and spatial information, amino acid conservation, physicochemical variation, residue mobility, and thermodynamic stability) indicates that this missense variant is not expected to disrupt HERC1 protein function with a negative predictive value of 80%. In summary, the available evidence is currently insufficient to determine the role of this variant in disease. Therefore, it has been classified as a Variant of Uncertain Significance.

Ambry Genetics
Classification: Uncertain significance for Inborn genetic diseases. Last evaluated: 2021-06-23. Review status: criteria provided, single submitter. Criteria: Ambry Variant Classification Scheme 2023. Collection method: clinical testing. Allele origin: germline.

NM_003922.4(HERC1):c.1333A>G (p.Thr445Ala)

Gene: HERC1 (HECT and RLD domain containing E3 ubiquitin protein ligase family member 1; minus strand). Cytogenetic location: 15q22.31.
Variant type: single nucleotide variant.
Coding change: c.1333A>G on transcript NM_003922.4 (MANE Select); coding-DNA position 1333, A replaced by G.
Protein change: p.Thr445Ala; replaces threonine 445 with alanine.
Molecular consequence: missense variant.
Genome position (GRCh38, 1-based): chr15:63,756,637, T>C on the plus strand (A>G on the coding strand, the complement: HERC1 is on the minus strand). VCF-style: chr15-63756637-T-C. GRCh37 (hg19) VCF-style: chr15-64048836-T-C.
Other names: short protein forms T445A.
Identifiers: ClinVar variation 2215912 (VCV002215912.4), dbSNP rs748846665, ClinGen allele CA7606490.